The following is an entry in ClinVar:

ClinVar aggregate classification (germline): Uncertain significance (1 of 4 stars; one submission).

Conditions:
WDPCP-related disorder. Also called: WDPCP-related condition.

Allele frequency attached by ClinVar (database versions not stated): 1000 Genomes Project 0.00020; 1000 Genomes Project 30x 0.00031.

Submission:

PreventionGenetics, part of Exact Sciences
Classification: Uncertain significance for WDPCP-related condition. Last evaluated: 2025-11-18. Review status: criteria provided, single submitter. Criteria: ACMG Guidelines, 2015. Collection method: clinical testing. Allele origin: germline.
Comment: The WDPCP c.1907T>C variant is predicted to result in the amino acid substitution p.Phe636Ser. To our knowledge, this variant has not been reported in the literature or in a large population database, indicating this variant is rare. At this time, the clinical significance of this variant is uncertain due to the absence of conclusive functional and genetic evidence.

NM_015910.7(WDPCP):c.1748+18468T>C

Gene: WDPCP (WD repeat containing planar cell polarity effector; minus strand). Cytogenetic location: 2p15.
Variant type: single nucleotide variant.
Coding change: c.1748+18468T>C on transcript NM_015910.7 (MANE Select); 18468 bases into the intron after coding-DNA position 1748, T replaced by C.
Molecular consequence: intron variant. On other transcripts: missense variant (1).
Genome position (GRCh38, 1-based): chr2:63,359,918, A>G on the plus strand (T>C on the coding strand, the complement: WDPCP is on the minus strand). VCF-style: chr2-63359918-A-G. GRCh37 (hg19) VCF-style: chr2-63587053-A-G.
Other names: c.1907T>C, p.Phe636Ser (NM_001354045.2); c.1676+18468T>C (NM_001354044.2); c.1271+18468T>C (NM_001042692.3); short protein forms F636S.
Identifiers: ClinVar variation 3054737 (VCV003054737.3), dbSNP rs184842412, ClinGen allele CA49229120.
Genomic context (GRCh38, chr2:63,359,918, plus strand): 5'-ATCACAAGGTAAGGAGTTCAAGACCAGCCTGGCCAACATGGTGAAATCCCATCTCTACTA[A>G]AAACAACAAAAATTAGCTGGGTGTGGTGGCACATGCCAGTGGTCCCAGCTACTCGGGAGG-3'